The following is an entry in ClinVar:

NM_025137.4(SPG11):c.2583A>C (p.Thr861=)

Gene: SPG11 (SPG11 vesicle trafficking associated, spatacsin; minus strand). Cytogenetic location: 15q21.1.
Variant type: single nucleotide variant.
Coding change: c.2583A>C on transcript NM_025137.4 (MANE Select); coding-DNA position 2583, A replaced by C.
Protein change: p.Thr861=; no amino-acid change (threonine 861 retained).
Molecular consequence: synonymous variant.
Genome position (GRCh38, 1-based): chr15:44,621,796, T>G on the plus strand (A>C on the coding strand, the complement: SPG11 is on the minus strand). VCF-style: chr15-44621796-T-G. GRCh37 (hg19) VCF-style: chr15-44913994-T-G.
Other names: c.2583A>C, p.Thr861= (NM_001160227.2).
Identifiers: ClinVar variation 1102480 (VCV001102480.32), dbSNP rs2141027797, ClinGen allele CA490204735.

ClinVar aggregate classification (germline): Likely benign. Review status: criteria provided, multiple submitters, no conflicts (2 of 4 stars). 2 submissions from 2 submitters: Likely benign (2). Last evaluated 2022-03-11.

Conditions:
Hereditary spastic paraplegia 11. Also called: SPASTIC PARAPLEGIA, AUTOSOMAL RECESSIVE, COMPLICATED, WITH THIN CORPUS CALLOSUM; SPASTIC PARAPLEGIA, AUTOSOMAL RECESSIVE, WITH MENTAL IMPAIRMENT AND THIN CORPUS CALLOSUM; Spastic Paraplegia 11; Nakamura Osame syndrome; Autosomal recessive hereditary spastic paraplegia, mental impairment, and thin corpus callosum; Spastic paraplegia, mental retardation and thin corpus callosum. Identifiers: Orphanet 2822, MedGen C1858479, MONDO:0011445, OMIM 604360.

Submissions (2):

Labcorp Genetics (formerly Invitae), Labcorp
Classification: Likely benign for Hereditary spastic paraplegia 11. Last evaluated: 2022-03-11. Review status: criteria provided, single submitter. Criteria: Invitae Variant Classification Sherloc (09022015). Collection method: clinical testing. Allele origin: germline.

CeGaT Center for Human Genetics Tuebingen
Classification: Likely benign. Last evaluated: 2022-03-01. Review status: criteria provided, single submitter. Criteria: CeGaT Center For Human Genetics Tuebingen Variant Classification Criteria Version 2. Collection method: clinical testing. Allele origin: germline. Affected: yes. Observed: 1 variant allele.
Comment: SPG11: PM2:Supporting, BP4, BP7